The following is an entry in ClinVar:

ClinVar aggregate classification (germline): Benign. Review status: criteria provided, multiple submitters, no conflicts (2 of 4 stars). 2 submissions from 2 submitters: Benign (2). Last evaluated 2018-01-13.

Conditions:
Hypercholanemia, familial 1 (FHCA1). Identifiers: Orphanet 238475, MedGen C5542604, MONDO:0031446, OMIM 607748.

Allele frequency attached by ClinVar (database versions not stated): gnomAD exomes 0.10430; 1000 Genomes Project 0.15176; 1000 Genomes Project 30x 0.15334; gnomAD 0.15433 and 0.15464; TOPMed 0.15705.
gnomAD v4.1: 23,459 of 152,602 alleles (15%); highest among the groups gnomAD compares: African/African-American, 20%; 1,968 homozygotes.

Submissions (2):

Illumina Laboratory Services, Illumina
Classification: Benign for Hypercholanemia, familial 1. Last evaluated: 2018-01-13. Review status: criteria provided, single submitter. Criteria: ICSL Variant Classification Criteria 13 December 2019. Collection method: clinical testing. Allele origin: germline.
Comment: This variant was observed in the ICSL laboratory as part of a predisposition screen in an ostensibly healthy population. It had not been previously curated by ICSL or reported in the Human Gene Mutation Database (HGMD: prior to June 1st, 2018), and was therefore a candidate for classification through an automated scoring system. Utilizing variant allele frequency, disease prevalence and penetrance estimates, and inheritance mode, an automated score was calculated to assess if this variant is too frequent to cause the disease. Based on the score and internal cut-off values, a variant classified as benign is not then subjected to further curation. The score for this variant resulted in a classification of benign for this disease.

Breakthrough Genomics
Classification: Benign. Review status: criteria provided, single submitter. Criteria: ACMG Guidelines, 2015. Collection method: not provided. Allele origin: germline. Inheritance: Autosomal recessive inheritance. Affected: yes.

NM_001701.4(BAAT):c.*611G>A

Gene: BAAT (bile acid-CoA:amino acid N-acyltransferase; minus strand). Cytogenetic location: 9q31.1.
Variant type: single nucleotide variant.
Coding change: c.*611G>A on transcript NM_001701.4 (MANE Select); 611 bases downstream of the stop codon, G replaced by A.
Molecular consequence: 3 prime UTR variant.
Genome position (GRCh38, 1-based): chr9:101,361,817, C>T on the plus strand (G>A on the coding strand, the complement: BAAT is on the minus strand). VCF-style: chr9-101361817-C-T. GRCh37 (hg19) VCF-style: chr9-104124099-C-T.
Other names: c.*611G>A (NM_001127610.2, NM_001374715.1).
Identifiers: ClinVar variation 364270 (VCV000364270.6), dbSNP rs41274981, ClinGen allele CA10631935.
Genomic context (GRCh38, chr9:101,361,817, plus strand): 5'-GGTTCTATTTTCTTGTATTTTCCATTTTAATTTGCTTCATAACTTAAACCAAGGCTCTTC[C>T]AGTCTTAGTTATTATGTCTCAGTTATGTGCCAATGGGCATGTTTTTAAGAACTGAAGAGG-3'